The following is an entry in ClinVar:

NM_004431.5(EPHA2):c.2719C>T (p.Arg907Cys)

Gene: EPHA2 (EPH receptor A2; minus strand). Cytogenetic location: 1p36.13.
Variant type: single nucleotide variant.
Coding change: c.2719C>T on transcript NM_004431.5 (MANE Select); coding-DNA position 2719, C replaced by T.
Protein change: p.Arg907Cys; replaces arginine 907 with cysteine.
Molecular consequence: missense variant.
Genome position (GRCh38, 1-based): chr1:16,129,540, G>A on the plus strand (C>T on the coding strand, the complement: EPHA2 is on the minus strand). VCF-style: chr1-16129540-G-A. GRCh37 (hg19) VCF-style: chr1-16456035-G-A.
Other names: c.2557C>T, p.Arg853Cys (NM_001329090.2); c.2719C>T (NM_004431.4); short protein forms R853C, R907C.
Identifiers: ClinVar variation 2388891 (VCV002388891.5), dbSNP rs753191229, ClinGen allele CA624736.
Genomic context (GRCh38, chr1:16,129,540, plus strand): 5'-CCATGAAGTGCTCCGTATACTGCTGCATCTTGATGGACTCCAGCCACTCGGACACCGTGC[G>A]GAAGGGCACCCCCTCCGAGCCGCTCGTGCTGGGGAGCCGGATAGACACGCTGCAACAGGA-3'
Protein context (NP_004422.2, residues 897-917): STSGSEGVPF[Arg907Cys]TVSEWLESIK

ClinVar aggregate classification (germline): Uncertain significance. Review status: criteria provided, single submitter (1 of 4 stars). 2 submissions from 2 submitters: Uncertain significance (1). 1 of the submissions does not count toward it. Last evaluated 2025-08-22.

Conditions:
Inborn genetic diseases. Identifiers: MedGen C0950123, MeSH D030342.
EPHA2-related disorder. Also called: EPHA2-related condition.

Allele frequency attached by ClinVar (database versions not stated): TOPMed 0.00003; gnomAD 0.00005; gnomAD exomes 0.00007; ExAC 0.00016.

Submissions (2):

Ambry Genetics
Classification: Uncertain significance for Inborn genetic diseases. Last evaluated: 2025-08-22. Review status: criteria provided, single submitter. Criteria: Ambry Variant Classification Scheme 2023. Collection method: clinical testing. Allele origin: germline.

PreventionGenetics, part of Exact Sciences
Classification: Likely benign for EPHA2-related condition. Last evaluated: 2023-10-04. Review status: no assertion criteria provided. Collection method: clinical testing. Allele origin: germline. Not counted in ClinVar's aggregate classification.
Comment: This variant is classified as likely benign based on ACMG/AMP sequence variant interpretation guidelines (Richards et al. 2015 PMID: 25741868, with internal and published modifications).